The following is an entry in ClinVar:

ClinVar aggregate classification (germline): Uncertain significance (1 of 4 stars; one submission).

Submission:

GeneDx
Classification: Uncertain significance. Last evaluated: 2025-05-20. Review status: criteria provided, single submitter. Criteria: GeneDx Variant Classification Process June 2021. Collection method: clinical testing. Allele origin: germline. Affected: yes.
Comment: Not observed at significant frequency in large population cohorts (gnomAD); In silico analysis supports that this missense variant has a deleterious effect on protein structure/function; Has not been previously published as pathogenic or benign to our knowledge

NM_002474.3(MYH11):c.1540G>A (p.Asp514Asn)

Gene: MYH11 (myosin heavy chain 11; minus strand). Cytogenetic location: 16p13.11.
Variant type: single nucleotide variant.
Coding change: c.1540G>A on transcript NM_002474.3 (MANE Select); coding-DNA position 1540, G replaced by A.
Protein change: p.Asp514Asn; replaces aspartic acid 514 with asparagine.
Molecular consequence: missense variant.
Genome position (GRCh38, 1-based): chr16:15,757,862, C>T on the plus strand (G>A on the coding strand, the complement: MYH11 is on the minus strand). VCF-style: chr16-15757862-C-T. GRCh37 (hg19) VCF-style: chr16-15851719-C-T.
Other names: c.1561G>A, p.Asp521Asn (NM_001040113.2, NM_001040114.2); c.1540G>A, p.Asp514Asn (NM_022844.3); short protein forms D514N, D521N.
Identifiers: ClinVar variation 4530976 (VCV004530976.1).